The following is an entry in ClinVar:

NM_020297.4(ABCC9):c.2237+3A>G

Gene: ABCC9 (ATP binding cassette subfamily C member 9; minus strand). Cytogenetic location: 12p12.1.
Variant type: single nucleotide variant.
Coding change: c.2237+3A>G on transcript NM_020297.4 (MANE Select); 3 bases into the intron after coding-DNA position 2237, A replaced by G.
Molecular consequence: intron variant.
Genome position (GRCh38, 1-based): chr12:21,864,436, T>C on the plus strand (A>G on the coding strand, the complement: ABCC9 is on the minus strand). VCF-style: chr12-21864436-T-C. GRCh37 (hg19) VCF-style: chr12-22017370-T-C.
Other names: c.1373+3A>G (NM_001377274.1); c.2237+3A>G (NM_005691.4, NM_001377273.1).
Identifiers: ClinVar variation 2165977 (VCV002165977.5), dbSNP rs2541249046, ClinGen allele CA2580085281.

ClinVar aggregate classification (germline): Uncertain significance. Review status: criteria provided, multiple submitters, no conflicts (2 of 4 stars). 2 submissions from 2 submitters: Uncertain significance (2). Last evaluated 2024-05-14.

Conditions:
Dilated cardiomyopathy 1O (CMD1O). Also called: CARDIOMYOPATHY, DILATED, WITH VENTRICULAR TACHYCARDIA. Identifiers: Orphanet 154, MedGen C1837839, MONDO:0012062, OMIM 608569.

Allele frequency attached by ClinVar (database versions not stated): gnomAD exomes below 0.00001.
gnomAD v4.1: 1 of 1,577,376 alleles (0.000063%); highest among the groups gnomAD compares: Admixed American, 0.0017%; no homozygotes.

Submissions (2):

GeneDx
Classification: Uncertain significance. Last evaluated: 2024-05-14. Review status: criteria provided, single submitter. Criteria: GeneDx Variant Classification Process June 2021. Collection method: clinical testing. Allele origin: germline. Affected: yes.
Comment: Has not been previously published as pathogenic or benign to our knowledge; Not observed at significant frequency in large population cohorts (gnomAD); In silico analysis is inconclusive as to whether the variant alters gene splicing. In the absence of RNA/functional studies, the actual effect of this sequence change is unknown.

Labcorp Genetics (formerly Invitae), Labcorp
Classification: Uncertain significance for Dilated cardiomyopathy 1O. Last evaluated: 2023-02-24. Review status: criteria provided, single submitter. Criteria: Invitae Variant Classification Sherloc (09022015). Collection method: clinical testing. Allele origin: germline.
Comment: This variant is not present in population databases (gnomAD no frequency). This sequence change falls in intron 17 of the ABCC9 gene. It does not directly change the encoded amino acid sequence of the ABCC9 protein. It affects a nucleotide within the consensus splice site. This variant has not been reported in the literature in individuals affected with ABCC9-related conditions. Variants that disrupt the consensus splice site are a relatively common cause of aberrant splicing (PMID: 17576681, 9536098). Algorithms developed to predict the effect of sequence changes on RNA splicing suggest that this variant may disrupt the consensus splice site. In summary, the available evidence is currently insufficient to determine the role of this variant in disease. Therefore, it has been classified as a Variant of Uncertain Significance.

Literature cited by the submitters: PubMed 17576681 (cited by Labcorp Genetics (formerly Invitae), Labcorp); PubMed 9536098 (cited by Labcorp Genetics (formerly Invitae), Labcorp).